The following is an entry in ClinVar:

NM_005529.7(HSPG2):c.10160G>C (p.Gly3387Ala)

Gene: HSPG2 (heparan sulfate proteoglycan 2; minus strand). Cytogenetic location: 1p36.12.
Variant type: single nucleotide variant.
Coding change: c.10160G>C on transcript NM_005529.7 (MANE Select); coding-DNA position 10160, G replaced by C.
Protein change: p.Gly3387Ala; replaces glycine 3387 with alanine.
Molecular consequence: missense variant.
Genome position (GRCh38, 1-based): chr1:21,836,997, C>G on the plus strand (G>C on the coding strand, the complement: HSPG2 is on the minus strand). VCF-style: chr1-21836997-C-G. GRCh37 (hg19) VCF-style: chr1-22163490-C-G.
Other names: c.10163G>C, p.Gly3388Ala (NM_001291860.2); short protein forms G3387A, G3388A.
Identifiers: ClinVar variation 2470746 (VCV002470746.3), dbSNP rs973167689, ClinGen allele CA19101122.

ClinVar aggregate classification (germline): Uncertain significance. Review status: criteria provided, multiple submitters, no conflicts (2 of 4 stars). 2 submissions from 2 submitters: Uncertain significance (2). Last evaluated 2024-04-03.

Conditions:
Inborn genetic diseases. Identifiers: MedGen C0950123, MeSH D030342.

Allele frequency attached by ClinVar (database versions not stated): gnomAD 0.00001; gnomAD exomes 0.00001; TOPMed 0.00002.
gnomAD v4.1: 14 of 1,550,490 alleles (0.0009%); highest among the groups gnomAD compares: Admixed American, 0.002%; no homozygotes.

Submissions (2):

Women's Health and Genetics/Laboratory Corporation of America, LabCorp
Classification: Uncertain significance. Last evaluated: 2024-04-03. Review status: criteria provided, single submitter. Criteria: LabCorp Variant Classification Summary - May 2015. Collection method: clinical testing. Allele origin: germline.
Comment: Variant summary: HSPG2 c.10160G>C (p.Gly3387Ala) results in a non-conservative amino acid change in the encoded protein sequence. Four of five in-silico tools predict a benign effect of the variant on protein function. The variant allele was found at a frequency of 6.4e-06 in 155914 control chromosomes. The available data on variant occurrences in the general population are insufficient to allow any conclusion about variant significance. To our knowledge, no occurrence of c.10160G>C in individuals affected with HSPG2-related disorders and no experimental evidence demonstrating its impact on protein function have been reported. ClinVar contains an entry for this variant (Variation ID: 2470746). Based on the evidence outlined above, the variant was classified as uncertain significance.

Ambry Genetics
Classification: Uncertain significance for Inborn genetic diseases. Last evaluated: 2023-02-23. Review status: criteria provided, single submitter. Criteria: Ambry Variant Classification Scheme 2023. Collection method: clinical testing. Allele origin: germline.